The following is an entry in ClinVar:

NM_015662.3(IFT172):c.2199C>T (p.His733=)

Gene: IFT172 (intraflagellar transport 172; minus strand). Cytogenetic location: 2p23.3.
Variant type: single nucleotide variant.
Coding change: c.2199C>T on transcript NM_015662.3 (MANE Select); coding-DNA position 2199, C replaced by T.
Protein change: p.His733=; no amino-acid change (histidine 733 retained).
Molecular consequence: synonymous variant.
Genome position (GRCh38, 1-based): chr2:27,461,512, G>A on the plus strand (C>T on the coding strand, the complement: IFT172 is on the minus strand). VCF-style: chr2-27461512-G-A. GRCh37 (hg19) VCF-style: chr2-27684379-G-A.
Other names: c.2199C>T (NM_015662.2).
Identifiers: ClinVar variation 1631183 (VCV001631183.9), dbSNP rs146482086, ClinGen allele CA1580361.

ClinVar aggregate classification (germline): Likely benign. Review status: criteria provided, multiple submitters, no conflicts (2 of 4 stars). 2 submissions from 2 submitters: Likely benign (2). Last evaluated 2024-12-17.

Conditions:
Short-rib thoracic dysplasia 10 with or without polydactyly (SRTD10). Identifiers: Orphanet 474, MedGen C3810175, MONDO:0014284, OMIM 615630.
Retinitis pigmentosa 71 (RP71). Identifiers: Orphanet 791, MedGen C4225342, MONDO:0014618, OMIM 616394.
IFT172-related disorder. Also called: IFT172-related disorders; IFT172-related condition.

Allele frequency attached by ClinVar (database versions not stated): 1000 Genomes Project 30x 0.00016; 1000 Genomes Project 0.00020; gnomAD exomes below 0.00001; ExAC 0.00001; gnomAD 0.00001.
gnomAD v4.1: 3 of 1,613,860 alleles (0.00019%); highest among the groups gnomAD compares: East Asian, 0.0045%; no homozygotes.

Submissions (2):

PreventionGenetics, part of Exact Sciences
Classification: Likely benign for IFT172-related condition. Last evaluated: 2024-12-17. Review status: criteria provided, single submitter. Criteria: ACMG Guidelines, 2015. Collection method: clinical testing. Allele origin: germline.
Comment: This variant is classified as likely benign based on ACMG/AMP sequence variant interpretation guidelines (Richards et al. 2015 PMID: 25741868, with internal and published modifications).

Labcorp Genetics (formerly Invitae), Labcorp
Classification: Likely benign for Retinitis pigmentosa 71; Short-rib thoracic dysplasia 10 with or without polydactyly. Last evaluated: 2022-12-03. Review status: criteria provided, single submitter. Criteria: Invitae Variant Classification Sherloc (09022015). Collection method: clinical testing. Allele origin: germline.